The following is an entry in ClinVar:

NM_005559.4(LAMA1):c.8062_8068dup (p.Leu2690fs)

Genes: LAMA1 (laminin subunit alpha 1; minus strand), LOC101927188 (uncharacterized LOC101927188; plus strand). Cytogenetic location: 18p11.31.
Variant type: Duplication.
Coding change: c.8062_8068dup on transcript NM_005559.4 (MANE Select); coding-DNA positions 8062 to 8068, 7 bases duplicated (AGCAAGC; older notation c.8062_8068dupAGCAAGC).
Protein change: p.Leu2690fs; shifts the reading frame from leucine 2690.
Molecular consequence: frameshift variant. On other transcripts: non-coding transcript variant (1).
Genome position (GRCh38, 1-based): chr18:6,956,662-6,956,668, GCTTGCT duplicated on the plus strand (AGCAAGC on the coding strand, the reverse complement: LAMA1 is on the minus strand); duplicating any 7 consecutive bases within chr18:6,956,662-6,956,669 gives the same sequence; the c. name uses the placement nearest the transcript's 3' end. VCF-style (leftmost placement, unchanged base first): chr18-6956661-A-AGCTTGCT. GRCh37 (hg19) VCF-style: chr18-6956660-A-AGCTTGCT.
Other names: p.Leu2690GlnfsX42; c.8062_8068dupAGCAAGC (NM_005559.3); short protein forms L2690fs.
Identifiers: ClinVar variation 517432 (VCV000517432.4), dbSNP rs1555643185, ClinGen allele CA658798995.
Genomic context (GRCh38, chr18:6,956,661, plus strand): 5'-TGGACCTGACTGATAGTAAAGGAAGCCGCTCCTACTGGAAAAGCCCGGGGCTCTGGCAAG[A>AGCTTGCT]GCTTGCTGTCCTCTGCATCGGGAGCCAGCTTAGGCCTTTCTGACAGCCAGCAGGTGTCCA-3'

ClinVar aggregate classification (germline): Likely pathogenic (1 of 4 stars; one submission).

Conditions:
Ataxia - intellectual disability - oculomotor apraxia - cerebellar cysts syndrome. Also called: Poretti-Boltshauser syndrome. Identifiers: Orphanet 370022, MedGen C4014821, MONDO:0014419, OMIM 615960.

Submission:

Laboratory for Molecular Medicine, Mass General Brigham Personalized Medicine
Classification: Likely pathogenic for Ataxia - intellectual disability - oculomotor apraxia - cerebellar cysts syndrome. Last evaluated: 2017-06-29. Review status: criteria provided, single submitter. Criteria: LMM Criteria. Collection method: clinical testing. Allele origin: germline. Inheritance: Autosomal recessive inheritance. Observed: 1 variant allele.
Comment: The p.Leu2690GlnfsX42 (NM_005559.3 c.8062_8068dupAGCAAGC) variant in LAMA1 has not been previously reported in the literature and was absent from large populat ion studies. This variant is predicted to cause a frameshift, which alters the p rotein?s amino acid sequence beginning at position 2690 and leads to a premature termination codon 42 amino acids downstream. This alteration is then predicted to lead to a truncated or absent protein. Biallelic loss of function of the LAMA 1 gene has been associated with Poretti-Boltshauser syndrome. In summary, althou gh additional studies are required to fully establish a null effect on the prote in, the p.Leu2690GlnfsX42 variant in the LAMA1 gene is likely pathogenic for Por etti-Boltshauser syndrome in an autosomal recessive manner based on its predicte d impact on the protein.